The following is an entry in ClinVar:

NM_000287.4(PEX6):c.853C>A (p.Pro285Thr)

Gene: PEX6 (peroxisomal biogenesis factor 6; minus strand). Cytogenetic location: 6p21.1.
Variant type: single nucleotide variant.
Coding change: c.853C>A on transcript NM_000287.4 (MANE Select); coding-DNA position 853, C replaced by A.
Protein change: p.Pro285Thr; replaces proline 285 with threonine.
Molecular consequence: missense variant. On other transcripts: non-coding transcript variant (1), intron variant (1).
Genome position (GRCh38, 1-based): chr6:42,978,298, G>T on the plus strand (C>A on the coding strand, the complement: PEX6 is on the minus strand). VCF-style: chr6-42978298-G-T. GRCh37 (hg19) VCF-style: chr6-42946036-G-T.
Other names: c.618+235C>A (NM_001316313.2); short protein forms P285T.
Identifiers: ClinVar variation 1052071 (VCV001052071.7), dbSNP rs61753220, ClinGen allele CA364161468.

ClinVar aggregate classification (germline): Uncertain significance (1 of 4 stars; one submission).

Conditions:
Peroxisome biogenesis disorder. Identifiers: Orphanet 79189, MedGen C1832200, MONDO:0019234. Disease mechanism: loss of function.

Submission:

Labcorp Genetics (formerly Invitae), Labcorp
Classification: Uncertain significance for Peroxisome biogenesis disorder. Last evaluated: 2025-07-31. Review status: criteria provided, single submitter. Criteria: Invitae Variant Classification Sherloc (09022015). Collection method: clinical testing. Allele origin: germline.
Comment: This sequence change replaces proline, which is neutral and non-polar, with threonine, which is neutral and polar, at codon 285 of the PEX6 protein (p.Pro285Thr). This variant is not present in population databases (gnomAD no frequency). This variant has not been reported in the literature in individuals affected with PEX6-related conditions. ClinVar contains an entry for this variant (Variation ID: 1052071). Invitae Evidence Modeling of protein sequence and biophysical properties (such as structural, functional, and spatial information, amino acid conservation, physicochemical variation, residue mobility, and thermodynamic stability) indicates that this missense variant is not expected to disrupt PEX6 protein function with a negative predictive value of 80%. In summary, the available evidence is currently insufficient to determine the role of this variant in disease. Therefore, it has been classified as a Variant of Uncertain Significance.